The following is an entry in ClinVar:

ClinVar aggregate classification (germline): Pathogenic. Review status: criteria provided, multiple submitters, no conflicts (2 of 4 stars). 5 submissions from 5 submitters: Pathogenic (4). 1 of the submissions does not count toward it. Last evaluated 2026-09-08.

Conditions:
Fabry disease. Also called: ALPHA-GALACTOSIDASE A DEFICIENCY; ANDERSON-FABRY DISEASE; CERAMIDE TRIHEXOSIDASE DEFICIENCY; GLA DEFICIENCY; HEREDITARY DYSTOPIC LIPIDOSIS; Ceramide trihexosidosis. Identifiers: Orphanet 324, MedGen C0002986, MONDO:0010526, OMIM 301500, HP:0001071. Disease mechanism: Fabry disease is due to inactivating mutations in the X-linked GLA gene resulting in deficiency of the enzyme Alpha Galactosidase-A., loss of function.

Submissions (5):

Genomenon, Inc
Classification: Pathogenic for Fabry disease. Last evaluated: 2026-09-08. Review status: criteria provided, single submitter. Criteria: Genomenon Sequence Variant Interpretation Standards - Updated. Collection method: curation. Allele origin: germline. Affected: yes.
Comment: GLA c.802-3_802-2del is a deletion that affects the acceptor splice region of intron 5. It is predicted to affect mRNA splicing, leading to a deleterious effect on the GLA protein. This variant has been observed in at least one proband with clinical features consistent with Fabry disease (PMID:32442237;36725792;28848191;26297554;32127409;23546814;16720462). The variant was found to segregate with disease in at least one affected family (PMID:16720462). It is absent or not present at a significant frequency in gnomAD. In conclusion, we classify GLA c.802-3_802-2del as a pathogenic variant.

Labcorp Genetics (formerly Invitae), Labcorp
Classification: Pathogenic for Fabry disease. Last evaluated: 2025-11-17. Review status: criteria provided, single submitter. Criteria: Invitae Variant Classification Sherloc (09022015). Collection method: clinical testing. Allele origin: germline.
Comment: This sequence change affects a splice site in intron 5 of the GLA gene. It is expected to disrupt RNA splicing. Variants that disrupt the donor or acceptor splice site typically lead to a loss of protein function (PMID: 16199547), and loss-of-function variants in GLA are known to be pathogenic (PMID: 10666480, 12175777). This variant is not present in population databases (gnomAD no frequency). Disruption of this splice site has been observed in individual(s) with Fabry disease (PMID: 7504405, 26297554). This variant is also known as IVS5-2,3delCA, IVS5-delta-2,3 and c.804-2_-3delCA. ClinVar contains an entry for this variant (Variation ID: 167137). Algorithms developed to predict the effect of sequence changes on RNA splicing suggest that this variant may disrupt the consensus splice site. For these reasons, this variant has been classified as Pathogenic.

Genome-Nilou Lab
Classification: Pathogenic for Fabry disease. Last evaluated: 2021-07-15. Review status: criteria provided, single submitter. Criteria: ACMG Guidelines, 2015. Collection method: clinical testing. Allele origin: germline. Affected: no.

Eurofins Ntd Llc (ga)
Classification: Pathogenic. Last evaluated: 2018-09-06. Review status: criteria provided, single submitter. Criteria: EGL ClinVar v180209 classification definitions. Collection method: clinical testing. Allele origin: germline. Observed: 5 variant alleles, 4 heterozygotes, 1 hemizygote.

OMIM
Classification: Pathogenic for FABRY DISEASE. Last evaluated: 1993-12-01. Review status: no assertion criteria provided. Collection method: literature only. Allele origin: germline. Not counted in ClinVar's aggregate classification.

Literature cited by the submitters: PubMed 32442237 (cited by Genomenon, Inc); PubMed 36725792 (cited by Genomenon, Inc); PubMed 28848191 (cited by Genomenon, Inc); PubMed 26297554 (cited by Genomenon, Inc and Labcorp Genetics (formerly Invitae), Labcorp); PubMed 32127409 (cited by Genomenon, Inc); PubMed 23546814 (cited by Genomenon, Inc); PubMed 16720462 (cited by Genomenon, Inc); PubMed 16199547 (cited by Labcorp Genetics (formerly Invitae), Labcorp); PubMed 10666480 (cited by Labcorp Genetics (formerly Invitae), Labcorp); PubMed 12175777 (cited by Labcorp Genetics (formerly Invitae), Labcorp); PubMed 7504405 (cited by Labcorp Genetics (formerly Invitae), Labcorp and OMIM).

NM_000169.3(GLA):c.802-3_802-2del

Genes: GLA (galactosidase alpha; minus strand), RPL36A-HNRNPH2 (RPL36A-HNRNPH2 readthrough; plus strand). Cytogenetic location: Xq22.1.
Variant type: Deletion.
Coding change: c.802-3_802-2del on transcript NM_000169.3 (MANE Select); 3 bases into the intron before coding-DNA position 802 through the canonical splice acceptor site of the intron before coding-DNA position 802, 2 bases deleted (CA; older notation c.802-3_802-2delCA).
Molecular consequence: splice acceptor variant. On other transcripts: intron variant (2).
Genome position (GRCh38, 1-based): chrX:101,398,569-101,398,570, TG deleted on the plus strand (CA on the coding strand, the reverse complement: GLA is on the minus strand). VCF-style (leftmost placement, unchanged base first): chrX-101398568-CTG-C. GRCh37 (hg19) VCF-style: chrX-100653556-CTG-C.
Other names: IVS5AS, DEL -2,-3; c.300+3112_300+3113del (NM_001199973.2); c.177+6747_177+6748del (NM_001199974.2); c.925-3_925-2del (NM_001406747.1); c.802-3_802-2del (NM_001406748.1).
Identifiers: ClinVar variation 167137 (VCV000167137.19), dbSNP rs797044498, ClinGen allele CA273338.